The following is an entry in ClinVar:

NM_018076.5(ODAD2):c.337A>G (p.Ile113Val)

Gene: ODAD2 (outer dynein arm docking complex subunit 2; minus strand). Cytogenetic location: 10p12.1.
Variant type: single nucleotide variant.
Coding change: c.337A>G on transcript NM_018076.5 (MANE Select); coding-DNA position 337, A replaced by G.
Protein change: p.Ile113Val; replaces isoleucine 113 with valine.
Molecular consequence: missense variant.
Genome position (GRCh38, 1-based): chr10:27,987,431, T>C on the plus strand (A>G on the coding strand, the complement: ODAD2 is on the minus strand). VCF-style: chr10-27987431-T-C. GRCh37 (hg19) VCF-style: chr10-28276360-T-C.
Other names: c.337A>G, p.Ile113Val (NM_001290020.2); short protein forms I113V.
Identifiers: ClinVar variation 2563327 (VCV002563327.2), dbSNP rs201275479, ClinGen allele CA5453853.

ClinVar aggregate classification (germline): Uncertain significance (1 of 4 stars; one submission).

Conditions:
Primary ciliary dyskinesia. Also called: Ciliary dyskinesia. Identifiers: Orphanet 244, MedGen C0008780, MONDO:0016575, HP:0012265.

Allele frequency attached by ClinVar (database versions not stated): gnomAD exomes below 0.00001; ExAC 0.00001; gnomAD 0.00001; TOPMed 0.00001; 1000 Genomes Project 30x 0.00016; 1000 Genomes Project 0.00020.
gnomAD v4.1: 3 of 1,613,706 alleles (0.00019%); highest among the groups gnomAD compares: East Asian, 0.0067%; no homozygotes.

Submission:

Ambry Genetics
Classification: Uncertain significance for Primary ciliary dyskinesia. Last evaluated: 2023-04-22. Review status: criteria provided, single submitter. Criteria: Ambry Variant Classification Scheme 2023. Collection method: clinical testing. Allele origin: germline.
Comment: The p.I113V variant (also known as c.337A>G), located in coding exon 2 of the ARMC4 gene, results from an A to G substitution at nucleotide position 337. The isoleucine at codon 113 is replaced by valine, an amino acid with highly similar properties. This amino acid position is conserved. In addition, this alteration is predicted to be tolerated by in silico analysis. Since supporting evidence is limited at this time, the clinical significance of this alteration remains unclear.